The following is an entry in ClinVar:

NM_014370.4(SRPK3):c.388-2A>G

Gene: SRPK3 (SRSF protein kinase 3; plus strand). Cytogenetic location: Xq28.
Variant type: single nucleotide variant.
Coding change: c.388-2A>G on transcript NM_014370.4 (MANE Select); the canonical splice acceptor site of the intron before coding-DNA position 388, A replaced by G.
Molecular consequence: splice acceptor variant.
Genome position (GRCh38, 1-based): chrX:153,782,119, A>G. VCF-style: chrX-153782119-A-G. GRCh37 (hg19) VCF-style: chrX-153047574-A-G.
Other names: c.388-2A>G (NM_001170760.2, NM_001170761.2).
Identifiers: ClinVar variation 3600698 (VCV003600698.1).

ClinVar aggregate classification (germline): Uncertain significance (1 of 4 stars; one submission).

gnomAD v4.1: 1 of 1,210,405 alleles (0.000083%); highest among the groups gnomAD compares: Non-Finnish European, 0.00011%; no homozygotes.

Submission:

GeneDx
Classification: Uncertain significance. Last evaluated: 2023-09-07. Review status: criteria provided, single submitter. Criteria: GeneDx Variant Classification Process June 2021. Collection method: clinical testing. Allele origin: germline. Affected: yes.
Comment: Not observed at significant frequency in large population cohorts (gnomAD); Canonical splice site variant in a gene or region of a gene for which loss of function is not a well-established mechanism of disease; Has not been previously published as pathogenic or benign to our knowledge; Variants in candidate genes are classified as variants of uncertain significance in accordance with ACMG guidelines (Richards et al., 2015)